The following is an entry in ClinVar:

ClinVar aggregate classification (germline): Pathogenic/Likely pathogenic. Review status: criteria provided, multiple submitters, no conflicts (2 of 4 stars). 2 submissions from 2 submitters: Pathogenic (1); Likely pathogenic (1). Last evaluated 2024-10-21.

Conditions:
Thyroid dyshormonogenesis 6 (TDH6). Also called: Genetic transient congenital hypothyroidism; THYROID HORMONOGENESIS, GENETIC DEFECT IN, 6; HYPOTHYROIDISM, CONGENITAL, DUE TO DYSHORMONOGENESIS, 6. Identifiers: Orphanet 226316, Orphanet 95716, MedGen C1846632, MONDO:0011792, OMIM 607200.

Submissions (2):

Labcorp Genetics (formerly Invitae), Labcorp
Classification: Pathogenic. Last evaluated: 2024-10-21. Review status: criteria provided, single submitter. Criteria: Invitae Variant Classification Sherloc (09022015). Collection method: clinical testing. Allele origin: germline.
Comment: This sequence change creates a premature translational stop signal (p.Val106Glyfs*195) in the DUOX2 gene. It is expected to result in an absent or disrupted protein product. Loss-of-function variants in DUOX2 are known to be pathogenic (PMID: 12110737, 18765513, 21565790, 24423310, 24735383). This variant is present in population databases (rs765380383, gnomAD 0.009%). This variant has not been reported in the literature in individuals affected with DUOX2-related conditions. For these reasons, this variant has been classified as Pathogenic.

Fulgent Genetics
Classification: Likely pathogenic for Thyroid dyshormonogenesis 6. Last evaluated: 2024-02-22. Review status: criteria provided, single submitter. Criteria: ACMG Guidelines, 2015. Collection method: clinical testing. Allele origin: germline.

Literature cited by the submitters: PubMed 12110737 (cited by Labcorp Genetics (formerly Invitae), Labcorp); PubMed 18765513 (cited by Labcorp Genetics (formerly Invitae), Labcorp); PubMed 21565790 (cited by Labcorp Genetics (formerly Invitae), Labcorp); PubMed 24423310 (cited by Labcorp Genetics (formerly Invitae), Labcorp); PubMed 24735383 (cited by Labcorp Genetics (formerly Invitae), Labcorp).

NM_001363711.2(DUOX2):c.316dup (p.Val106fs)

Gene: DUOX2 (dual oxidase 2; minus strand). Cytogenetic location: 15q21.1.
Variant type: Duplication.
Coding change: c.316dup on transcript NM_001363711.2 (MANE Select); coding-DNA position 316, one base duplicated (G; older notation c.316dupG).
Protein change: p.Val106fs; shifts the reading frame from valine 106.
Molecular consequence: frameshift variant.
Genome position (GRCh38, 1-based): chr15:45,112,563, C duplicated on the plus strand (G on the coding strand, the reverse complement: DUOX2 is on the minus strand); the first of 5 consecutive C bases (chr15:45,112,563-45,112,567); duplicating any one gives the same sequence. VCF-style (leftmost placement, unchanged base first): chr15-45112562-A-AC. GRCh37 (hg19) VCF-style: chr15-45404760-A-AC.
Other names: c.316dup, p.Val106fs (NM_014080.5); c.316dup (NM_014080.4); short protein forms V106fs.
Identifiers: ClinVar variation 2974977 (VCV002974977.4), dbSNP rs765380383, ClinGen allele CA7539028.